The following is an entry in ClinVar:

ClinVar aggregate classification (germline): Uncertain significance (1 of 4 stars; one submission).

Allele frequency attached by ClinVar (database versions not stated): ExAC 0.00002; gnomAD 0.00001; gnomAD exomes 0.00001; TOPMed 0.00001.
gnomAD v4.1: 14 of 1,614,000 alleles (0.00087%); highest among the groups gnomAD compares: Non-Finnish European, 0.0012%; no homozygotes.

Submission:

Labcorp Genetics (formerly Invitae), Labcorp
Classification: Uncertain significance. Last evaluated: 2022-02-24. Review status: criteria provided, single submitter. Criteria: Invitae Variant Classification Sherloc (09022015). Collection method: clinical testing. Allele origin: germline.
Comment: Algorithms developed to predict the effect of missense changes on protein structure and function are either unavailable or do not agree on the potential impact of this missense change (SIFT: "Deleterious"; PolyPhen-2: "Probably Damaging"; Align-GVGD: "Class C0"). In summary, the available evidence is currently insufficient to determine the role of this variant in disease. Therefore, it has been classified as a Variant of Uncertain Significance. ClinVar contains an entry for this variant (Variation ID: 944540). This missense change has been observed in individual(s) with clinical features of RHO-related conditions (Invitae). This variant is present in population databases (rs774809893, gnomAD 0.003%). This sequence change replaces glutamine, which is neutral and polar, with leucine, which is neutral and non-polar, at codon 237 of the RHO protein (p.Gln237Leu).

NM_000539.3(RHO):c.710A>T (p.Gln237Leu)

Gene: RHO (rhodopsin; plus strand). Cytogenetic location: 3q22.1.
Variant type: single nucleotide variant.
Coding change: c.710A>T on transcript NM_000539.3 (MANE Select); coding-DNA position 710, A replaced by T.
Protein change: p.Gln237Leu; replaces glutamine 237 with leucine.
Molecular consequence: missense variant.
Genome position (GRCh38, 1-based): chr3:129,532,546, A>T. VCF-style: chr3-129532546-A-T. GRCh37 (hg19) VCF-style: chr3-129251389-A-T.
Other names: short protein forms Q237L.
Identifiers: ClinVar variation 944540 (VCV000944540.8), dbSNP rs774809893, ClinGen allele CA2607273.